The following is an entry in ClinVar:

ClinVar aggregate classification (germline): Uncertain significance (1 of 4 stars; one submission).

Submission:

Labcorp Genetics (formerly Invitae), Labcorp
Classification: Uncertain significance. Last evaluated: 2025-08-04. Review status: criteria provided, single submitter. Criteria: Invitae Variant Classification Sherloc (09022015). Collection method: clinical testing. Allele origin: germline.
Comment: This sequence change replaces glutamic acid, which is acidic and polar, with glutamine, which is neutral and polar, at codon 1335 of the DMXL2 protein (p.Glu1335Gln). This variant is not present in population databases (gnomAD no frequency). This variant has not been reported in the literature in individuals affected with DMXL2-related conditions. ClinVar contains an entry for this variant (Variation ID: 2087569). An algorithm developed to predict the effect of missense changes on protein structure and function (PolyPhen-2) suggests that this variant is likely to be disruptive. In summary, the available evidence is currently insufficient to determine the role of this variant in disease. Therefore, it has been classified as a Variant of Uncertain Significance.

NM_001378457.1(DMXL2):c.4003G>C (p.Glu1335Gln)

Gene: DMXL2 (Dmx like 2; minus strand). Cytogenetic location: 15q21.2.
Variant type: single nucleotide variant.
Coding change: c.4003G>C on transcript NM_001378457.1 (MANE Select); coding-DNA position 4003, G replaced by C.
Protein change: p.Glu1335Gln; replaces glutamic acid 1335 with glutamine.
Molecular consequence: missense variant. On other transcripts: non-coding transcript variant (2), intron variant (2).
Genome position (GRCh38, 1-based): chr15:51,499,221, C>G on the plus strand (G>C on the coding strand, the complement: DMXL2 is on the minus strand). VCF-style: chr15-51499221-C-G. GRCh37 (hg19) VCF-style: chr15-51791418-C-G.
Other names: c.4003G>C, p.Glu1335Gln (NM_001174116.3, NM_001378458.1, NM_001378459.1 and 4 more transcripts); c.3763G>C, p.Glu1255Gln (NM_001378464.1); c.2765-7474G>C (NM_001378460.1); c.2765-4087G>C (NM_001174117.3); short protein forms E1255Q, E1335Q.
Identifiers: ClinVar variation 2087569 (VCV002087569.4), dbSNP rs2548506191, ClinGen allele CA392433374.